The following is an entry in ClinVar:

ClinVar aggregate classification (germline): Uncertain significance (1 of 4 stars; one submission).

Conditions:
RYR1-related disorder. Also called: RYR1-related condition; RYR1-related disorders. Identifiers: MedGen CN239331.

Submission:

Labcorp Genetics (formerly Invitae), Labcorp
Classification: Uncertain significance for RYR1-related disorder. Last evaluated: 2024-12-15. Review status: criteria provided, single submitter. Criteria: Invitae Variant Classification Sherloc (09022015). Collection method: clinical testing. Allele origin: germline.
Comment: This sequence change falls in intron 70 of the RYR1 gene. It does not directly change the encoded amino acid sequence of the RYR1 protein. This variant is not present in population databases (gnomAD no frequency). This variant has not been reported in the literature in individuals affected with RYR1-related conditions. Algorithms developed to predict the effect of sequence changes on RNA splicing suggest that this variant may create or strengthen a splice site. In summary, the available evidence is currently insufficient to determine the role of this variant in disease. Therefore, it has been classified as a Variant of Uncertain Significance.

NM_000540.3(RYR1):c.10456-6C>T

Gene: RYR1 (ryanodine receptor 1; plus strand). Cytogenetic location: 19q13.2.
Variant type: single nucleotide variant.
Coding change: c.10456-6C>T on transcript NM_000540.3 (MANE Select); 6 bases into the intron before coding-DNA position 10456, C replaced by T.
Molecular consequence: intron variant.
Genome position (GRCh38, 1-based): chr19:38,525,326, C>T. VCF-style: chr19-38525326-C-T. GRCh37 (hg19) VCF-style: chr19-39015966-C-T.
Other names: c.10441-6C>T (NM_001042723.2).
Identifiers: ClinVar variation 3711945 (VCV003711945.2).